The following is an entry in ClinVar:

ClinVar aggregate classification (germline): Uncertain significance (1 of 4 stars; one submission).

Conditions:
Inborn genetic diseases. Identifiers: MedGen C0950123, MeSH D030342.

Submission:

Ambry Genetics
Classification: Uncertain significance for Inborn genetic diseases. Last evaluated: 2025-01-24. Review status: criteria provided, single submitter. Criteria: Ambry Variant Classification Scheme 2023. Collection method: clinical testing. Allele origin: germline.
Comment: The p.E800Q variant (also known as c.2398G>C), located in coding exon 26 of the FANCA gene, results from a G to C substitution at nucleotide position 2398. The glutamic acid at codon 800 is replaced by glutamine, an amino acid with highly similar properties. This amino acid position is conserved. In addition, this alteration is predicted to be tolerated by in silico analysis. Based on the available evidence, the clinical significance of this variant remains unclear.

NM_000135.4(FANCA):c.2398G>C (p.Glu800Gln)

Gene: FANCA (FA complementation group A; minus strand). Cytogenetic location: 16q24.3.
Variant type: single nucleotide variant.
Coding change: c.2398G>C on transcript NM_000135.4 (MANE Select); coding-DNA position 2398, G replaced by C.
Protein change: p.Glu800Gln; replaces glutamic acid 800 with glutamine.
Molecular consequence: missense variant.
Genome position (GRCh38, 1-based): chr16:89,769,943, C>G on the plus strand (G>C on the coding strand, the complement: FANCA is on the minus strand). VCF-style: chr16-89769943-C-G. GRCh37 (hg19) VCF-style: chr16-89836351-C-G.
Other names: c.2398G>C, p.Glu800Gln (NM_001286167.3); short protein forms E800Q.
Identifiers: ClinVar variation 3848144 (VCV003848144.1).